The following is an entry in ClinVar:

NM_000286.3(PEX12):c.1009C>T (p.Gln337Ter)

Gene: PEX12 (peroxisomal biogenesis factor 12; minus strand). Cytogenetic location: 17q12.
Variant type: single nucleotide variant.
Coding change: c.1009C>T on transcript NM_000286.3 (MANE Select); coding-DNA position 1009, C replaced by T.
Protein change: p.Gln337Ter; replaces glutamine 337 with a stop codon.
Molecular consequence: nonsense.
Genome position (GRCh38, 1-based): chr17:35,575,853, G>A on the plus strand (C>T on the coding strand, the complement: PEX12 is on the minus strand). VCF-style: chr17-35575853-G-A. GRCh37 (hg19) VCF-style: chr17-33902872-G-A.
Other names: short protein forms Q337*.
Identifiers: ClinVar variation 451464 (VCV000451464.15), dbSNP rs760739894, ClinGen allele CA8504804.

ClinVar aggregate classification (germline): Pathogenic/Likely pathogenic. Review status: criteria provided, multiple submitters, no conflicts (2 of 4 stars). 4 submissions from 4 submitters: Pathogenic (1); Likely pathogenic (2). 1 of the submissions does not count toward it. Last evaluated 2025-01-15.

Conditions:
Peroxisome biogenesis disorder 3A (Zellweger). Also called: PEROXISOMAL BIOGENESIS DISORDER 3A (ZELLWEGER); Peroxisome biogenesis disorder 3A. Identifiers: Orphanet 912, MedGen C3553929, MONDO:0013927, OMIM 614859.
Peroxisome biogenesis disorder type 3B. Identifiers: Orphanet 44, Orphanet 772, MedGen C3550693, MONDO:0009959, OMIM 266510.

Allele frequency attached by ClinVar (database versions not stated): TOPMed below 0.00001; gnomAD 0.00001.

Submissions (4):

Labcorp Genetics (formerly Invitae), Labcorp
Classification: Pathogenic for Peroxisome biogenesis disorder 3A (Zellweger). Last evaluated: 2025-01-15. Review status: criteria provided, single submitter. Criteria: Invitae Variant Classification Sherloc (09022015). Collection method: clinical testing. Allele origin: germline.
Comment: This sequence change creates a premature translational stop signal (p.Gln337*) in the PEX12 gene. While this is not anticipated to result in nonsense mediated decay, it is expected to disrupt the last 23 amino acid(s) of the PEX12 protein. The frequency data for this variant in the population databases is considered unreliable, as metrics indicate poor data quality at this position in the gnomAD database. This variant has not been reported in the literature in individuals affected with PEX12-related conditions. ClinVar contains an entry for this variant (Variation ID: 451464). This variant disrupts a region of the PEX12 protein in which other variant(s) (p.Gln349del) have been determined to be pathogenic (PMID: 15542397, 21031596; internal data). This suggests that this is a clinically significant region of the protein, and that variants that disrupt it are likely to be disease-causing. For these reasons, this variant has been classified as Pathogenic.

GeneDx
Classification: Likely pathogenic. Last evaluated: 2024-05-20. Review status: criteria provided, single submitter. Criteria: GeneDx Variant Classification Process June 2021. Collection method: clinical testing. Allele origin: germline. Affected: yes.
Comment: Nonsense variant predicted to result in protein truncation, as the last 23 amino acids are lost; Not observed at significant frequency in large population cohorts (gnomAD); Has not been previously published as pathogenic or benign to our knowledge

Baylor Genetics
Classification: Likely pathogenic for Peroxisome biogenesis disorder 3A (Zellweger). Last evaluated: 2023-07-20. Review status: criteria provided, single submitter. Criteria: ACMG Guidelines, 2015. Collection method: clinical testing. Allele origin: unknown.

Counsyl
Classification: Uncertain significance for Peroxisome biogenesis disorder type 3B; Peroxisome biogenesis disorder 3A (Zellweger). Last evaluated: 2018-05-30. Review status: no assertion criteria provided. Collection method: clinical testing. Allele origin: unknown. Not counted in ClinVar's aggregate classification.

Literature cited by the submitters: PubMed 15542397 (cited by Labcorp Genetics (formerly Invitae), Labcorp); PubMed 21031596 (cited by Labcorp Genetics (formerly Invitae), Labcorp); PubMed 10837480 (cited by Counsyl); PubMed 11370741 (cited by Counsyl); PubMed 10562279 (cited by Counsyl).